The following is an entry in ClinVar:

ClinVar aggregate classification (germline): Pathogenic (1 of 4 stars; one submission).

Submission:

Labcorp Genetics (formerly Invitae), Labcorp
Classification: Pathogenic. Last evaluated: 2022-10-13. Review status: criteria provided, single submitter. Criteria: Invitae Variant Classification Sherloc (09022015). Collection method: clinical testing. Allele origin: germline.
Comment: This sequence change creates a premature translational stop signal (p.Gln2452*) in the MYO18B gene. It is expected to result in an absent or disrupted protein product. Loss-of-function variants in MYO18B are known to be pathogenic (PMID: 25748484, 32184166, 32637634). This variant is not present in population databases (gnomAD no frequency). This variant has not been reported in the literature in individuals affected with MYO18B-related conditions. For these reasons, this variant has been classified as Pathogenic.

Literature cited by the submitters: PubMed 25748484; PubMed 32184166; PubMed 32637634.

NM_032608.7(MYO18B):c.7354C>T (p.Gln2452Ter)

Gene: MYO18B (myosin XVIIIB; plus strand). Cytogenetic location: 22q12.1.
Variant type: single nucleotide variant.
Coding change: c.7354C>T on transcript NM_032608.7 (MANE Select); coding-DNA position 7354, C replaced by T.
Protein change: p.Gln2452Ter; replaces glutamine 2452 with a stop codon.
Molecular consequence: nonsense.
Genome position (GRCh38, 1-based): chr22:26,027,328, C>T. VCF-style: chr22-26027328-C-T. GRCh37 (hg19) VCF-style: chr22-26423294-C-T.
Other names: c.7357C>T, p.Gln2453Ter (NM_001318245.2); short protein forms Q2452*, Q2453*.
Identifiers: ClinVar variation 2032479 (VCV002032479.4), dbSNP rs2518436598, ClinGen allele CA411012260.
Genomic context (GRCh38, chr22:26,027,328, plus strand): 5'-GACTACGAACGCAAGACCAAAGTGGACTTCGATGACTTCCTCCCAGCTATCCGGAAGCCC[C>T]AGACACCTACCTCCTTGGCTGGATCAGCCAAAGGTGGGCAAGACGGTTCACAGCGTTCAA-3'